The following is an entry in ClinVar:

ClinVar aggregate classification (germline): Conflicting classifications of pathogenicity. Review status: criteria provided, conflicting classifications (1 of 4 stars). 2 submissions from 2 submitters: Likely pathogenic (1); Uncertain significance (1). Last evaluated 2025-09-04.

Conditions:
GM1 gangliosidosis. Identifiers: Orphanet 354, MedGen C0085131, MONDO:0018149.
Mucopolysaccharidosis, MPS-IV-B (MPS4B). Also called: MORQUIO SYNDROME B; Mucopolysaccharidosis Type IVB (Morquio B Disease); Mucopolysaccharidosis type 4B; Mucopolysaccharidosis type IVB (Morquio); MPS IVB; Mucopolysaccharidosis type IV B. Identifiers: Orphanet 309310, Orphanet 582, MedGen C0086652, MONDO:0009660, OMIM 253010.

Submissions (2):

Women's Health and Genetics/Laboratory Corporation of America, LabCorp
Classification: Uncertain significance. Last evaluated: 2025-09-04. Review status: criteria provided, single submitter. Criteria: LabCorp Variant Classification Summary - May 2015. Collection method: clinical testing. Allele origin: germline.
Comment: Variant summary: GLB1 c.176G>T (p.Arg59Leu) results in a non-conservative amino acid change in the encoded protein sequence. Algorithms developed to predict the effect of missense changes on protein structure and function all suggest that this variant is likely to be disruptive. The variant was absent in 249484 control chromosomes. To our knowledge, no occurrence of c.176G>T in individuals affected with GLB1-related conditions and no experimental evidence demonstrating its impact on protein function have been reported. Two different variants affecting the same codon have been classified as likely pathogenic/pathogenic by our lab (p.Arg59Cys, p.Arg59His), supporting the critical relevance of codon 59 to GLB1 protein function. ClinVar contains an entry for this variant (Variation ID: 1497708). Based on the evidence outlined above, the variant was classified as VUS-possibly pathogenic.

Labcorp Genetics (formerly Invitae), Labcorp
Classification: Likely pathogenic for Mucopolysaccharidosis, MPS-IV-B; GM1 gangliosidosis. Last evaluated: 2022-08-22. Review status: criteria provided, single submitter. Criteria: Invitae Variant Classification Sherloc (09022015). Collection method: clinical testing. Allele origin: germline.
Comment: Advanced modeling of protein sequence and biophysical properties (such as structural, functional, and spatial information, amino acid conservation, physicochemical variation, residue mobility, and thermodynamic stability) performed at Invitae indicates that this missense variant is expected to disrupt GLB1 protein function. ClinVar contains an entry for this variant (Variation ID: 1497708). This variant disrupts the p.Arg59 amino acid residue in GLB1. Other variant(s) that disrupt this residue have been determined to be pathogenic (PMID: 15714521, 16941474, 17309651; Invitae). This suggests that this residue is clinically significant, and that variants that disrupt this residue are likely to be disease-causing. In summary, the currently available evidence indicates that the variant is pathogenic, but additional data are needed to prove that conclusively. Therefore, this variant has been classified as Likely Pathogenic. This sequence change replaces arginine, which is basic and polar, with leucine, which is neutral and non-polar, at codon 59 of the GLB1 protein (p.Arg59Leu). This variant is not present in population databases (gnomAD no frequency). This variant has not been reported in the literature in individuals affected with GLB1-related conditions.

Literature cited by the submitters: PubMed 15714521 (cited by Labcorp Genetics (formerly Invitae), Labcorp); PubMed 16941474 (cited by Labcorp Genetics (formerly Invitae), Labcorp); PubMed 17309651 (cited by Labcorp Genetics (formerly Invitae), Labcorp).

NM_000404.4(GLB1):c.176G>T (p.Arg59Leu)

Gene: GLB1 (galactosidase beta 1; minus strand). Cytogenetic location: 3p22.3.
Variant type: single nucleotide variant.
Coding change: c.176G>T on transcript NM_000404.4 (MANE Select); coding-DNA position 176, G replaced by T.
Protein change: p.Arg59Leu; replaces arginine 59 with leucine.
Molecular consequence: missense variant.
Genome position (GRCh38, 1-based): chr3:33,072,613, C>A on the plus strand (G>T on the coding strand, the complement: GLB1 is on the minus strand). VCF-style: chr3-33072613-C-A. GRCh37 (hg19) VCF-style: chr3-33114105-C-A.
Other names: c.86G>T, p.Arg29Leu (NM_001079811.3); c.176G>T, p.Arg59Leu (NM_001135602.3, NM_001393580.1); c.320G>T, p.Arg107Leu (NM_001317040.2); short protein forms R29L, R107L, R59L.
Identifiers: ClinVar variation 1497708 (VCV001497708.9), dbSNP rs72555392, ClinGen allele CA351996505.